The following is an entry in ClinVar:

NM_001369268.1(ACAN):c.1171G>T (p.Gly391Cys)

Gene: ACAN (aggrecan; plus strand). Cytogenetic location: 15q26.1.
Variant type: single nucleotide variant.
Coding change: c.1171G>T on transcript NM_001369268.1 (MANE Select); coding-DNA position 1171, G replaced by T.
Protein change: p.Gly391Cys; replaces glycine 391 with cysteine.
Molecular consequence: missense variant.
Genome position (GRCh38, 1-based): chr15:88,845,624, G>T. VCF-style: chr15-88845624-G-T. GRCh37 (hg19) VCF-style: chr15-89388855-G-T.
Other names: c.1171G>T, p.Gly391Cys (NM_013227.4, NM_001135.4, NM_001411096.1 and 1 more transcripts); short protein forms G391C.
Identifiers: ClinVar variation 2797266 (VCV002797266.3), dbSNP rs369041225, ClinGen allele CA7719481.

ClinVar aggregate classification (germline): Uncertain significance (1 of 4 stars; one submission).

Allele frequency attached by ClinVar (database versions not stated): ExAC 0.00001; TOPMed 0.00001; gnomAD 0.00002; ESP Exome Variant Server 0.00015.
gnomAD v4.1: 4 of 1,613,952 alleles (0.00025%); highest among the groups gnomAD compares: African/African-American, 0.0053%; no homozygotes.

Submission:

Labcorp Genetics (formerly Invitae), Labcorp
Classification: Uncertain significance. Last evaluated: 2023-01-15. Review status: criteria provided, single submitter. Criteria: Invitae Variant Classification Sherloc (09022015). Collection method: clinical testing. Allele origin: germline.
Comment: In summary, the available evidence is currently insufficient to determine the role of this variant in disease. Therefore, it has been classified as a Variant of Uncertain Significance. Advanced modeling of protein sequence and biophysical properties (such as structural, functional, and spatial information, amino acid conservation, physicochemical variation, residue mobility, and thermodynamic stability) performed at Invitae indicates that this missense variant is not expected to disrupt ACAN protein function. This variant has not been reported in the literature in individuals affected with ACAN-related conditions. This variant is present in population databases (rs369041225, gnomAD 0.01%). This sequence change replaces glycine, which is neutral and non-polar, with cysteine, which is neutral and slightly polar, at codon 391 of the ACAN protein (p.Gly391Cys).